The following is an entry in ClinVar:

ClinVar aggregate classification (germline): Uncertain significance (1 of 4 stars; one submission).

Allele frequency attached by ClinVar (database versions not stated): gnomAD exomes below 0.00001 and 0.00001; ExAC 0.00001; gnomAD 0.00001; TOPMed 0.00003; ESP Exome Variant Server 0.00008.
gnomAD v4.1: 6 of 1,608,934 alleles (0.00037%); highest among the groups gnomAD compares: African/African-American, 0.004%; no homozygotes.

Submission:

Labcorp Genetics (formerly Invitae), Labcorp
Classification: Uncertain significance. Last evaluated: 2025-04-01. Review status: criteria provided, single submitter. Criteria: Invitae Variant Classification Sherloc (09022015). Collection method: clinical testing. Allele origin: germline.
Comment: This sequence change replaces valine, which is neutral and non-polar, with isoleucine, which is neutral and non-polar, at codon 388 of the GUF1 protein (p.Val388Ile). This variant is present in population databases (rs150129693, gnomAD 0.01%). This variant has not been reported in the literature in individuals affected with GUF1-related conditions. ClinVar contains an entry for this variant (Variation ID: 1430261). Invitae Evidence Modeling of protein sequence and biophysical properties (such as structural, functional, and spatial information, amino acid conservation, physicochemical variation, residue mobility, and thermodynamic stability) indicates that this missense variant is not expected to disrupt GUF1 protein function with a negative predictive value of 80%. In summary, the available evidence is currently insufficient to determine the role of this variant in disease. Therefore, it has been classified as a Variant of Uncertain Significance.

NM_021927.3(GUF1):c.1162G>A (p.Val388Ile)

Gene: GUF1 (GTP binding elongation factor GUF1; plus strand). Cytogenetic location: 4p12.
Variant type: single nucleotide variant.
Coding change: c.1162G>A on transcript NM_021927.3 (MANE Select); coding-DNA position 1162, G replaced by A.
Protein change: p.Val388Ile; replaces valine 388 with isoleucine.
Molecular consequence: missense variant.
Genome position (GRCh38, 1-based): chr4:44,689,369, G>A. VCF-style: chr4-44689369-G-A. GRCh37 (hg19) VCF-style: chr4-44691386-G-A.
Other names: c.190G>A, p.Val64Ile (NM_001345867.2, NM_001345869.2); c.1162G>A, p.Val388Ile (NM_001345868.2); short protein forms V64I, V388I.
Identifiers: ClinVar variation 1430261 (VCV001430261.6), dbSNP rs150129693, ClinGen allele CA2905553.
Genomic context (GRCh38, chr4:44,689,369, plus strand): 5'-GAATATAACAATCTGAAGAGTGCTATAGAAAAACTGACTTTAAATGATTCCAGTGTGACC[G>A]TTCATCGGGATAGTAGCCTTGCTCTGGGTGCTGGCTGGAGGTAAGATTCATTCACATGTG-3'
Protein context (NP_068746.2, residues 378-398): KLTLNDSSVT[Val388Ile]HRDSSLALGA